The following is an entry in ClinVar:

ClinVar aggregate classification (germline): Conflicting classifications of pathogenicity. Review status: criteria provided, conflicting classifications (1 of 4 stars). 3 submissions from 3 submitters: Uncertain significance (1); Likely benign (1). 1 of the submissions does not count toward it. Last evaluated 2026-01-24.

Conditions:
SKIC3-related disorder. Also called: SKIC3-related condition.

Allele frequency attached by ClinVar (database versions not stated): gnomAD 0.00004 and 0.00008; TOPMed 0.00005; 1000 Genomes Project 30x 0.00016; 1000 Genomes Project 0.00020; gnomAD exomes 0.00035; ExAC 0.00044.
gnomAD v4.1: 253 of 1,613,520 alleles (0.016%); highest among the groups gnomAD compares: South Asian, 0.22%; 5 homozygotes.

Submissions (3):

Labcorp Genetics (formerly Invitae), Labcorp
Classification: Likely benign. Last evaluated: 2026-01-24. Review status: criteria provided, single submitter. Criteria: Invitae Variant Classification Sherloc (09022015). Collection method: clinical testing. Allele origin: germline.

Eurofins Ntd Llc (ga)
Classification: Uncertain significance. Last evaluated: 2015-03-10. Review status: criteria provided, single submitter. Criteria: EGL Classification Definitions 2015. Collection method: clinical testing. Allele origin: germline. Observed: 1 variant allele, 1 heterozygote.

PreventionGenetics, part of Exact Sciences
Classification: Likely benign for SKIC3-related condition. Last evaluated: 2023-02-16. Review status: no assertion criteria provided. Collection method: clinical testing. Allele origin: germline. Not counted in ClinVar's aggregate classification.
Comment: This variant is classified as likely benign based on ACMG/AMP sequence variant interpretation guidelines (Richards et al. 2015 PMID: 25741868, with internal and published modifications).

NM_014639.4(SKIC3):c.3710C>T (p.Ala1237Val)

Gene: SKIC3 (SKI3 subunit of superkiller complex; minus strand). Cytogenetic location: 5q15.
Variant type: single nucleotide variant.
Coding change: c.3710C>T on transcript NM_014639.4 (MANE Select); coding-DNA position 3710, C replaced by T.
Protein change: p.Ala1237Val; replaces alanine 1237 with valine.
Molecular consequence: missense variant.
Genome position (GRCh38, 1-based): chr5:95,494,774, G>A on the plus strand (C>T on the coding strand, the complement: SKIC3 is on the minus strand). VCF-style: chr5-95494774-G-A. GRCh37 (hg19) VCF-style: chr5-94830478-G-A.
Other names: c.3710C>T (NM_014639.3); short protein forms A1237V.
Identifiers: ClinVar variation 196984 (VCV000196984.14), dbSNP rs557540994, ClinGen allele CA244849.